The following is an entry in ClinVar:

NM_000216.4(ANOS1):c.1449+2del

Gene: ANOS1 (anosmin 1; minus strand). Cytogenetic location: Xp22.31.
Variant type: Deletion.
Coding change: c.1449+2del on transcript NM_000216.4 (MANE Select); the canonical splice donor site of the intron after coding-DNA position 1449, one base deleted (T; older notation c.1449+2delT).
Molecular consequence: splice donor variant.
Genome position (GRCh38, 1-based): chrX:8,539,662, A deleted on the plus strand (T on the coding strand, the reverse complement: ANOS1 is on the minus strand). VCF-style (leftmost placement, unchanged base first): chrX-8539661-TA-T. GRCh37 (hg19) VCF-style: chrX-8507702-TA-T.
Identifiers: ClinVar variation 88647 (VCV000088647.3), dbSNP rs397518425, ClinGen allele CA266196.

ClinVar aggregate classification (germline): Pathogenic (0 of 4 stars; one submission).

Conditions:
Hypogonadotropic hypogonadism 1 with or without anosmia (HH1). Also called: KAL1-Related GnRH Deficiency (Kallmann Syndrome 1; Kallmann Syndrome, X-Linked); Hypogonadotropic hypogonadism 1 with or without anosmia (Kallmann syndrome 1); Kallmann syndrome, type 1, X-linked; DYSPLASIA OLFACTOGENITALIS OF DE MORSIER; HYPOGONADOTROPIC HYPOGONADISM AND ANOSMIA; HYPOGONADOTROPIC HYPOGONADISM 1 WITH ANOSMIA. Identifiers: Orphanet 478, MedGen C1563719, MONDO:0010635, OMIM 308700. Disease mechanism: loss of function.

Submission:

Endocrinology Clinic, Seth G.S. Medical College
Classification: Pathogenic for Kallmann syndrome 1. Last evaluated: 2013-03-26. Review status: no assertion criteria provided. Collection method: case-control. Allele origin: inherited. Inheritance: X-linked recessive inheritance. Affected: yes. Observed: 6 variant alleles, 2 heterozygotes, 4 homozygotes.
ClinVar note: Converted during submission from pathogenic to Pathogenic.